The following is an entry in ClinVar:

NM_005245.4(FAT1):c.13657T>C (p.Cys4553Arg)

Genes: FAT1 (FAT atypical cadherin 1; minus strand), LOC126807253 (BRD4-independent group 4 enhancer GRCh37_chr4:187509297-187510496; plus strand). Cytogenetic location: 4q35.2.
Variant type: single nucleotide variant.
Coding change: c.13657T>C on transcript NM_005245.4 (MANE Select); coding-DNA position 13657, T replaced by C.
Protein change: p.Cys4553Arg; replaces cysteine 4553 with arginine.
Molecular consequence: missense variant.
Genome position (GRCh38, 1-based): chr4:186,588,702, A>G on the plus strand (T>C on the coding strand, the complement: FAT1 is on the minus strand). VCF-style: chr4-186588702-A-G. GRCh37 (hg19) VCF-style: chr4-187509856-A-G.
Other names: c.13657T>C (NM_005245.3); short protein forms C4553R.
Identifiers: ClinVar variation 2082398 (VCV002082398.5), dbSNP rs756828769, ClinGen allele CA3164477.

ClinVar aggregate classification (germline): Uncertain significance. Review status: criteria provided, multiple submitters, no conflicts (2 of 4 stars). 2 submissions from 2 submitters: Uncertain significance (2). Last evaluated 2024-01-24.

Conditions:
Inborn genetic diseases. Identifiers: MedGen C0950123, MeSH D030342.

Allele frequency attached by ClinVar (database versions not stated): TOPMed 0.00003; ExAC 0.00007; gnomAD exomes 0.00001.
gnomAD v4.1: 19 of 1,613,946 alleles (0.0012%); highest among the groups gnomAD compares: Middle Eastern, 0.033%; no homozygotes.

Submissions (2):

Ambry Genetics
Classification: Uncertain significance for Inborn genetic diseases. Last evaluated: 2024-01-24. Review status: criteria provided, single submitter. Criteria: Ambry Variant Classification Scheme 2023. Collection method: clinical testing. Allele origin: germline.

Labcorp Genetics (formerly Invitae), Labcorp
Classification: Uncertain significance. Last evaluated: 2022-07-14. Review status: criteria provided, single submitter. Criteria: Invitae Variant Classification Sherloc (09022015). Collection method: clinical testing. Allele origin: germline.
Comment: In summary, the available evidence is currently insufficient to determine the role of this variant in disease. Therefore, it has been classified as a Variant of Uncertain Significance. Algorithms developed to predict the effect of missense changes on protein structure and function (SIFT, PolyPhen-2, Align-GVGD) all suggest that this variant is likely to be disruptive. This variant has not been reported in the literature in individuals affected with FAT1-related conditions. This variant is present in population databases (rs756828769, gnomAD 0.02%). This sequence change replaces cysteine, which is neutral and slightly polar, with arginine, which is basic and polar, at codon 4553 of the FAT1 protein (p.Cys4553Arg).